The following is an entry in ClinVar:

NM_053025.4(MYLK):c.-175T>C

Gene: MYLK (myosin light chain kinase; minus strand). Cytogenetic location: 3q21.1.
Variant type: single nucleotide variant.
Coding change: c.-175T>C on transcript NM_053025.4 (MANE Select); 175 bases upstream of the start codon, T replaced by C.
Molecular consequence: 5 prime UTR variant.
Genome position (GRCh38, 1-based): chr3:123,876,607, A>G on the plus strand (T>C on the coding strand, the complement: MYLK is on the minus strand). VCF-style: chr3-123876607-A-G. GRCh37 (hg19) VCF-style: chr3-123595454-A-G.
Other names: c.-495T>C (NM_001321309.2); c.-175T>C (NM_053026.4, NM_053027.4, NM_053028.4).
Identifiers: ClinVar variation 391521 (VCV000391521.1), dbSNP rs1057524120, ClinGen allele CA16604802.

ClinVar aggregate classification (germline): Likely benign (1 of 4 stars; one submission).

Allele frequency attached by ClinVar (database versions not stated): TOPMed below 0.00001 and 0.00001; gnomAD 0.00001.
gnomAD v4.1: 1 of 152,174 alleles (0.00066%); highest among the groups gnomAD compares: Non-Finnish European, 0.0015%; no homozygotes.

Submission:

GeneDx
Classification: Likely benign. Last evaluated: 2016-12-13. Review status: criteria provided, single submitter. Criteria: GeneDx Variant Classification (06012015). Collection method: clinical testing. Allele origin: germline. Affected: yes.
Comment: This variant is considered likely benign or benign based on one or more of the following criteria: it is a conservative change, it occurs at a poorly conserved position in the protein, it is predicted to be benign by multiple in silico algorithms, and/or has population frequency not consistent with disease.